The following is an entry in ClinVar:

ClinVar aggregate classification (germline): Uncertain significance (1 of 4 stars; one submission).

Conditions:
Neurodevelopmental disorder with hypotonia and brain abnormalities. Identifiers: MedGen C5561977, MONDO:0859187, OMIM 619512.

gnomAD v4.1: 426 of 1,611,900 alleles (0.026%); highest among the groups gnomAD compares: Non-Finnish European, 0.034%; no homozygotes.

Submission:

Department of Human Genetics, Hannover Medical School
Classification: Uncertain significance for Neurodevelopmental disorder with hypotonia and brain abnormalities. Last evaluated: 2025-01-02. Review status: criteria provided, single submitter. Criteria: ACMG Guidelines, 2015. Collection method: clinical testing. Allele origin: germline. Affected: yes.
Comment: ACMG: BS2, PP2, PP3_Moderate

NM_001829.4(CLCN3):c.1739C>T (p.Ala580Val)

Gene: CLCN3 (chloride voltage-gated channel 3; plus strand). Cytogenetic location: 4q33.
Variant type: single nucleotide variant.
Coding change: c.1739C>T on transcript NM_001829.4 (MANE Select); coding-DNA position 1739, C replaced by T.
Protein change: p.Ala580Val; replaces alanine 580 with valine.
Molecular consequence: missense variant.
Genome position (GRCh38, 1-based): chr4:169,704,173, C>T. VCF-style: chr4-169704173-C-T. GRCh37 (hg19) VCF-style: chr4-170625324-C-T.
Other names: c.1658C>T, p.Ala553Val (NM_001243372.2, NM_001243374.2); c.1739C>T, p.Ala580Val (NM_173872.4); short protein forms A553V, A580V.
Identifiers: ClinVar variation 3393026 (VCV003393026.1).